The following is an entry in ClinVar:

NM_015999.6(ADIPOR1):c.705del (p.Leu236fs)

Gene: ADIPOR1 (adiponectin receptor 1; minus strand). Cytogenetic location: 1q32.1.
Variant type: Deletion.
Coding change: c.705del on transcript NM_015999.6 (MANE Select); coding-DNA position 705, one base deleted (G; older notation c.705delG).
Protein change: p.Leu236fs; shifts the reading frame from leucine 236.
Molecular consequence: frameshift variant.
Genome position (GRCh38, 1-based): chr1:202,943,858, C deleted on the plus strand (G on the coding strand, the reverse complement: ADIPOR1 is on the minus strand); the first of 2 consecutive C bases (chr1:202,943,858-202,943,859); deleting either gives the same sequence. VCF-style (leftmost placement, unchanged base first): chr1-202943857-GC-G. GRCh37 (hg19) VCF-style: chr1-202912985-GC-G.
Other names: c.705del, p.Leu236fs (NM_001290553.2, NM_001290557.1, NM_001290629.1); short protein forms L236fs.
Identifiers: ClinVar variation 1470036 (VCV001470036.6), dbSNP rs2102482416, ClinGen allele CA2573131466.

ClinVar aggregate classification (germline): Uncertain significance (1 of 4 stars; one submission).

Submission:

Labcorp Genetics (formerly Invitae), Labcorp
Classification: Uncertain significance. Last evaluated: 2023-12-06. Review status: criteria provided, single submitter. Criteria: Invitae Variant Classification Sherloc (09022015). Collection method: clinical testing. Allele origin: germline.
Comment: This sequence change creates a premature translational stop signal (p.Leu236Serfs*41) in the ADIPOR1 gene. It is expected to result in an absent or disrupted protein product. However, the current clinical and genetic evidence is not sufficient to establish whether loss-of-function variants in ADIPOR1 cause disease. This variant is not present in population databases (gnomAD no frequency). This variant has not been reported in the literature in individuals affected with ADIPOR1-related conditions. ClinVar contains an entry for this variant (Variation ID: 1470036). In summary, the available evidence is currently insufficient to determine the role of this variant in disease. Therefore, it has been classified as a Variant of Uncertain Significance.